The following is an entry in ClinVar:

NM_001199107.2(TBC1D24):c.27C>T (p.Phe9=)

Gene: TBC1D24 (TBC1 domain family member 24; plus strand). Cytogenetic location: 16p13.3.
Variant type: single nucleotide variant.
Coding change: c.27C>T on transcript NM_001199107.2 (MANE Select); coding-DNA position 27, C replaced by T.
Protein change: p.Phe9=; no amino-acid change (phenylalanine 9 retained).
Molecular consequence: synonymous variant.
Genome position (GRCh38, 1-based): chr16:2,496,175, C>T. VCF-style: chr16-2496175-C-T. GRCh37 (hg19) VCF-style: chr16-2546176-C-T.
Other names: c.27C>T, p.Phe9= (NM_020705.3).
Identifiers: ClinVar variation 386266 (VCV000386266.14), dbSNP rs759193465, ClinGen allele CA7843907.
Genomic context (GRCh38, chr16:2,496,175, plus strand): 5'-CAGTCCAGGGCCTCCTCCCGAGCACAGCGGCGCTATGGACTCTCCAGGATACAACTGCTT[C>T]GTGGACAAAGACAAGATGGACGCTGCCATCCAGGACCTGGGGCCCAAGGAGCTGAGCTGC-3'
Protein context (NP_001186036.1, residues 1-19): MDSPGYNC[Phe9=]VDKDKMDAAI

ClinVar aggregate classification (germline): Likely benign. Review status: criteria provided, multiple submitters, no conflicts (2 of 4 stars). 3 submissions from 3 submitters: Likely benign (3). Last evaluated 2023-06-28.

Conditions:
Developmental and epileptic encephalopathy, 1 (DEE1). Also called: X-linked infantile spasms; West's syndrome; Tonic spasms with clustering, arrest of psychomotor development and hypsarrhythmia on EEG; X-Linked Infantile Spasm Syndrome; OHTAHARA SYNDROME, X-LINKED; INFANTILE SPASM SYNDROME, X-LINKED 1. Identifiers: MedGen C3463992, MONDO:0010632, OMIM 308350. Disease mechanism: loss of function.
Autosomal dominant nonsyndromic hearing loss 65. Also called: TBC1D24-Related Autosomal Dominant Nonsyndromic Hearing Loss (DFNA); Deafness, autosomal dominant 65. Identifiers: Orphanet 90635, MedGen C3892048, MONDO:0014470, OMIM 616044.

Allele frequency attached by ClinVar (database versions not stated): ExAC 0.00002; gnomAD exomes 0.00001; TOPMed 0.00001.

Submissions (3):

Labcorp Genetics (formerly Invitae), Labcorp
Classification: Likely benign for Developmental and epileptic encephalopathy, 1; Autosomal dominant nonsyndromic hearing loss 65. Last evaluated: 2023-06-28. Review status: criteria provided, single submitter. Criteria: Invitae Variant Classification Sherloc (09022015). Collection method: clinical testing. Allele origin: germline.

Laboratory for Molecular Medicine, Mass General Brigham Personalized Medicine
Classification: Likely benign. Last evaluated: 2017-06-24. Review status: criteria provided, single submitter. Criteria: LMM Criteria. Collection method: clinical testing. Allele origin: germline. Observed: 1 variant allele.
Comment: p.Phe9Phe in exon 2 of TBC1D24: This variant is not expected to have clinical si gnificance because it does not alter an amino acid residue and is not located wi thin the splice consensus sequence. It has been identified in 2/17244 East Asian chromosomes by the Genome Aggregation Database (gnomAD; dbSNP rs759193465).

GeneDx
Classification: Likely benign. Last evaluated: 2016-05-23. Review status: criteria provided, single submitter. Criteria: GeneDx Variant Classification (06012015). Collection method: clinical testing. Allele origin: germline. Affected: yes.
Comment: This variant is considered likely benign or benign based on one or more of the following criteria: it is a conservative change, it occurs at a poorly conserved position in the protein, it is predicted to be benign by multiple in silico algorithms, and/or has population frequency not consistent with disease.